The following is an entry in ClinVar:

ClinVar aggregate classification (germline): Uncertain significance. Review status: criteria provided, multiple submitters, no conflicts (2 of 4 stars). 2 submissions from 2 submitters: Uncertain significance (2). Last evaluated 2025-12-07.

Conditions:
Hereditary cancer-predisposing syndrome. Also called: Hereditary Cancer Syndrome; Neoplastic Syndromes, Hereditary; Hereditary neoplastic syndrome; Tumor predisposition. Identifiers: Orphanet 140162, MedGen C0027672, MeSH D009386, MONDO:0015356.
Ataxia-telangiectasia syndrome (AT). Also called: Cerebello-oculocutaneous telangiectasia; Immunodeficiency with ataxia telangiectasia; Ataxia-telangiectasia, complementation group D; Ataxia telangiectasia (A-T); ATAXIA-TELANGIECTASIA, COMPLEMENTATION GROUP A; ATAXIA-TELANGIECTASIA, FRESNO VARIANT. Identifiers: Orphanet 100, MedGen C0004135, MONDO:0008840, OMIM 208900.

Submissions (2):

Ambry Genetics
Classification: Uncertain significance for Hereditary cancer-predisposing syndrome. Last evaluated: 2025-12-07. Review status: criteria provided, single submitter. Criteria: Ambry Variant Classification Scheme 2023. Collection method: clinical testing. Allele origin: germline.
Comment: The p.K486E variant (also known as c.1456A>G), located in coding exon 9 of the ATM gene, results from an A to G substitution at nucleotide position 1456. The lysine at codon 486 is replaced by glutamic acid, an amino acid with similar properties. This amino acid position is conserved. In addition, the in silico prediction for this alteration is inconclusive. Based on the available evidence, the clinical significance of this variant remains unclear.

Labcorp Genetics (formerly Invitae), Labcorp
Classification: Uncertain significance for Ataxia-telangiectasia syndrome. Last evaluated: 2022-04-25. Review status: criteria provided, single submitter. Criteria: Invitae Variant Classification Sherloc (09022015). Collection method: clinical testing. Allele origin: germline.
Comment: In summary, the available evidence is currently insufficient to determine the role of this variant in disease. Therefore, it has been classified as a Variant of Uncertain Significance. Advanced modeling of protein sequence and biophysical properties (such as structural, functional, and spatial information, amino acid conservation, physicochemical variation, residue mobility, and thermodynamic stability) performed at Invitae indicates that this missense variant is not expected to disrupt ATM protein function. This variant has not been reported in the literature in individuals affected with ATM-related conditions. This variant is not present in population databases (gnomAD no frequency). This sequence change replaces lysine, which is basic and polar, with glutamic acid, which is acidic and polar, at codon 486 of the ATM protein (p.Lys486Glu).

NM_000051.4(ATM):c.1456A>G (p.Lys486Glu)

Gene: ATM (ATM serine/threonine kinase; plus strand). Cytogenetic location: 11q22.3.
Variant type: single nucleotide variant.
Coding change: c.1456A>G on transcript NM_000051.4 (MANE Select); coding-DNA position 1456, A replaced by G.
Protein change: p.Lys486Glu; replaces lysine 486 with glutamic acid.
Molecular consequence: missense variant.
Genome position (GRCh38, 1-based): chr11:108,250,921, A>G. VCF-style: chr11-108250921-A-G. GRCh37 (hg19) VCF-style: chr11-108121648-A-G.
Other names: c.1456A>G, p.Lys486Glu (NM_001351834.2); short protein forms K486E.
Identifiers: ClinVar variation 2130649 (VCV002130649.5), dbSNP rs2135323394, ClinGen allele CA382534132.